The following is an entry in ClinVar:

NM_001017989.3(OPA3):c.464_467dup (p.Gln157fs)

Genes: OPA3 (outer mitochondrial membrane lipid metabolism regulator OPA3; minus strand), OPA3-RTN2 (OPA3-RTN2 readthrough; minus strand). Cytogenetic location: 19q13.32.
Variant type: Duplication.
Coding change: c.464_467dup on transcript NM_001017989.3; coding-DNA positions 464 to 467, 4 bases duplicated (AGCT; older notation c.464_467dupAGCT).
Protein change: p.Gln157fs; shifts the reading frame from glutamine 157.
Molecular consequence: frameshift variant.
Genome position (GRCh38, 1-based): chr19:45,529,132-45,529,135, AGCT duplicated on the plus strand (AGCT on the coding strand, the reverse complement: OPA3 is on the minus strand). VCF-style (leftmost placement, unchanged base first): chr19-45529131-C-CAGCT. GRCh37 (hg19) VCF-style: chr19-46032389-C-CAGCT.
Other names: short protein forms Q157fs.
Identifiers: ClinVar variation 659433 (VCV000659433.11), dbSNP rs1599947052, ClinGen allele CA915951878.
Genomic context (GRCh38, chr19:45,529,131, plus strand): 5'-CGGCGCAACTGGGGGTGCAGGCGGCGGGTCTCGGAGGCAGAGGTGGGCTCGCACCTCCTG[C>CAGCT]AGCTGAGCGCGCAGCTCCTCCAGGGCGAGCTGCGTCGACGTCGCCTGCACCTGCGCCTGC-3'

ClinVar aggregate classification (germline): Uncertain significance (1 of 4 stars; one submission).

Conditions:
3-Methylglutaconic aciduria type 3 (MGCA3). Also called: Costeff Syndrome; OPA3-Related 3-Methylglutaconic Aciduria; OPA3, AUTOSOMAL RECESSIVE; OPTIC ATROPHY 3, AUTOSOMAL RECESSIVE. Identifiers: Orphanet 67047, MedGen C0574084, MONDO:0009787, OMIM 258501.
Optic atrophy 3 (OPA3). Also called: Optic atrophy, cataract, and neurologic disorder; OPTIC ATROPHY 3, AUTOSOMAL DOMINANT; Optic atrophy 3 with cataract. Identifiers: Orphanet 67036, MedGen C1833809, MONDO:0008133, OMIM 165300.

Submission:

Labcorp Genetics (formerly Invitae), Labcorp
Classification: Uncertain significance for 3-Methylglutaconic aciduria type 3; Optic atrophy 3. Last evaluated: 2022-02-17. Review status: criteria provided, single submitter. Criteria: Invitae Variant Classification Sherloc (09022015). Collection method: clinical testing. Allele origin: germline.
Comment: Experimental studies and prediction algorithms are not available or were not evaluated, and the functional significance of this variant is currently unknown. The OPA3 gene has multiple clinically relevant transcripts. This variant occurs in alternate transcript NM_001017989.2, which corresponds to position c.*24379_*24382dup in NM_025136.3, the primary transcript listed in the Methods. This sequence change results in a frameshift in the OPA3 gene (p.Gln157Alafs*77). While this is not anticipated to result in nonsense mediated decay, it is expected to disrupt the last 24 amino acid(s) of the OPA3 protein and extend the protein by 52 additional amino acid residues. This variant is not present in population databases (gnomAD no frequency). This variant has not been reported in the literature in individuals affected with OPA3-related conditions. In summary, the available evidence is currently insufficient to determine the role of this variant in disease. Therefore, it has been classified as a Variant of Uncertain Significance.